The following is an entry in ClinVar:

NM_024334.3(TMEM43):c.393-5_395del

Gene: TMEM43 (transmembrane protein 43; plus strand). Cytogenetic location: 3p25.1.
Variant type: Deletion.
Coding change: c.393-5_395del on transcript NM_024334.3 (MANE Select); 5 bases into the intron before coding-DNA position 393 through coding-DNA position 395, 8 bases deleted (TGCAGGGA; older notation c.393-5_395delTGCAGGGA).
Molecular consequence: splice acceptor variant.
Genome position (GRCh38, 1-based): chr3:14,132,541-14,132,548, TGCAGGGA deleted. VCF-style (leftmost placement, unchanged base first): chr3-14132540-CTGCAGGGA-C. GRCh37 (hg19) VCF-style: chr3-14174040-CTGCAGGGA-C.
Other names: c.393-5_395del (NM_001407274.1, NM_001407276.1, NM_001407275.1 and 2 more transcripts); c.378-5_380del (NM_001407278.1); c.243-5_245del (NM_001407280.1).
Identifiers: ClinVar variation 3386080 (VCV003386080.2).

ClinVar aggregate classification (germline): Uncertain significance. Review status: criteria provided, multiple submitters, no conflicts (2 of 4 stars). 2 submissions from 2 submitters: Uncertain significance (2). Last evaluated 2024-04-16.

Conditions:
Arrhythmogenic right ventricular dysplasia 5. Also called: Arrhythmogenic Right Ventricular Dysplasia/Cardiomyopathy 5; ARRHYTHMOGENIC RIGHT VENTRICULAR DYSPLASIA, FAMILIAL, 5. Identifiers: MedGen C1858379, MONDO:0011459, OMIM 604400.

Submissions (2):

All of Us Research Program, National Institutes of Health
Classification: Uncertain significance for Arrhythmogenic right ventricular dysplasia 5. Last evaluated: 2024-04-16. Review status: criteria provided, single submitter. Criteria: ACMG Guidelines, 2015. Collection method: clinical testing. Allele origin: germline. Inheritance: Autosomal dominant inheritance. Observed: 1 variant allele, 1 heterozygote.
Comment: This variant deletes the last five nucleotides in intron 4 and the first three nucleotides of exon 5 of the TMEM43 gene. Splice site prediction tools predict that this variant may have a significant impact on RNA splicing. Although this prediction has not been confirmed in published RNA studies, this variant is expected to result in an absent or disrupted protein product. To our knowledge, this variant has not been reported in individuals affected with TMEM43-related disorders in the literature. This variant has not been identified in the general population by the Genome Aggregation Database (gnomAD). The role of loss-of-function TMEM43 truncation and splice variants in autosomal dominant cardiovascular disorders is not clearly established. The available evidence is insufficient to determine the role of this variant in disease conclusively. Therefore, this variant is classified as a Variant of Uncertain Significance.

This study involves interpretation of variants in research participants for the purpose of population health screening. Participant phenotype was not available at the time of variant classification. Additional details can be found in publication PMID: 35346344, PMCID: PMC8962531

Blueprint Genetics
Classification: Uncertain significance. Last evaluated: 2018-06-07. Review status: criteria provided, single submitter. Criteria: ACMG Guidelines, 2015. Collection method: clinical testing. Allele origin: germline.